The following is an entry in ClinVar:

NM_024656.4(COLGALT1):c.1327T>A (p.Phe443Ile)

Gene: COLGALT1 (collagen beta(1-O)galactosyltransferase 1; plus strand). Cytogenetic location: 19p13.11.
Variant type: single nucleotide variant.
Coding change: c.1327T>A on transcript NM_024656.4 (MANE Select); coding-DNA position 1327, T replaced by A.
Protein change: p.Phe443Ile; replaces phenylalanine 443 with isoleucine.
Molecular consequence: missense variant.
Genome position (GRCh38, 1-based): chr19:17,579,542, T>A. VCF-style: chr19-17579542-T-A. GRCh37 (hg19) VCF-style: chr19-17690351-T-A.
Other names: short protein forms F443I.
Identifiers: ClinVar variation 1994657 (VCV001994657.4), dbSNP rs372871690, ClinGen allele CA9297265.

ClinVar aggregate classification (germline): Uncertain significance (1 of 4 stars; one submission).

Allele frequency attached by ClinVar (database versions not stated): gnomAD exomes below 0.00001; TOPMed 0.00001; ExAC 0.00002; gnomAD 0.00002; ESP Exome Variant Server 0.00015.
gnomAD v4.1: 6 of 1,613,944 alleles (0.00037%); highest among the groups gnomAD compares: African/African-American, 0.0027%; no homozygotes.

Submission:

Labcorp Genetics (formerly Invitae), Labcorp
Classification: Uncertain significance. Last evaluated: 2023-05-08. Review status: criteria provided, single submitter. Criteria: Invitae Variant Classification Sherloc (09022015). Collection method: clinical testing. Allele origin: germline.
Comment: In summary, the available evidence is currently insufficient to determine the role of this variant in disease. Therefore, it has been classified as a Variant of Uncertain Significance. Advanced modeling of protein sequence and biophysical properties (such as structural, functional, and spatial information, amino acid conservation, physicochemical variation, residue mobility, and thermodynamic stability) performed at Invitae indicates that this missense variant is not expected to disrupt COLGALT1 protein function. ClinVar contains an entry for this variant (Variation ID: 1994657). This variant has not been reported in the literature in individuals affected with COLGALT1-related conditions. This variant is present in population databases (rs372871690, gnomAD 0.0009%). This sequence change replaces phenylalanine, which is neutral and non-polar, with isoleucine, which is neutral and non-polar, at codon 443 of the COLGALT1 protein (p.Phe443Ile).